The following is an entry in ClinVar:

ClinVar aggregate classification (germline): Pathogenic. Review status: criteria provided, multiple submitters, no conflicts (2 of 4 stars). 3 submissions from 3 submitters: Pathogenic (3). Last evaluated 2023-10-22.

Conditions:
Hereditary cancer-predisposing syndrome. Also called: Neoplastic Syndromes, Hereditary; Tumor predisposition; Hereditary neoplastic syndrome; Hereditary Cancer Syndrome. Identifiers: Orphanet 140162, MedGen C0027672, MeSH D009386, MONDO:0015356.
Hereditary breast ovarian cancer syndrome. Also called: Hereditary breast and ovarian cancer syndrome; Hereditary breast and ovarian cancer; Hereditary breast and ovarian cancer syndrome (HBOC); Breast and ovarian cancer; Hereditary breast and/or ovarian cancer syndrome; BRCA1- and BRCA2-Associated Hereditary Breast and Ovarian Cancer. Identifiers: Orphanet 145, MedGen C0677776, MeSH D061325, MONDO:0003582. Disease mechanism: loss of function.

Submissions (3):

Labcorp Genetics (formerly Invitae), Labcorp
Classification: Pathogenic for Hereditary breast ovarian cancer syndrome. Last evaluated: 2023-10-22. Review status: criteria provided, single submitter. Criteria: Invitae Variant Classification Sherloc (09022015). Collection method: clinical testing. Allele origin: germline.
Comment: This sequence change creates a premature translational stop signal (p.Gly1892Valfs*17) in the BRCA2 gene. It is expected to result in an absent or disrupted protein product. Loss-of-function variants in BRCA2 are known to be pathogenic (PMID: 20104584). This variant is not present in population databases (gnomAD no frequency). This premature translational stop signal has been observed in individual(s) with biliary tract cancer and/or breast or ovarian cancer (PMID: 24249303, 36243179). This variant is also known as c.5903del1. ClinVar contains an entry for this variant (Variation ID: 825889). For these reasons, this variant has been classified as Pathogenic.

Women's Health and Genetics/Laboratory Corporation of America, LabCorp
Classification: Pathogenic for Hereditary breast ovarian cancer syndrome. Last evaluated: 2022-09-27. Review status: criteria provided, single submitter. Criteria: LabCorp Variant Classification Summary - May 2015. Collection method: clinical testing. Allele origin: germline.
Comment: Variant summary: BRCA2 c.5675delG (p.Gly1892ValfsX17) results in a premature termination codon, predicted to cause a truncation of the encoded protein or absence of the protein due to nonsense mediated decay, which are commonly known mechanisms for disease. Truncations downstream of this position have been classified as pathogenic by our laboratory. The variant was absent in 250390 control chromosomes. c.5675delG has been reported in the literature in individuals affected with Hereditary Breast And Ovarian Cancer Syndrome (Nakamura_2013, Saito_2014, Watanabe_2018). These data indicate that the variant is likely to be associated with disease. One publication reports immunohistochemistry evidence evaluating an impact on protein expression in a cancer specimen, showing a loss of BRCA2 protein (Saito_2014). One clinical diagnostic laboratory has submitted clinical-significance assessments for this variant to ClinVar after 2014 without evidence for independent evaluation, classifying the variant as pathogenic. Based on the evidence outlined above, the variant was classified as pathogenic.

Ambry Genetics
Classification: Pathogenic for Hereditary cancer-predisposing syndrome. Last evaluated: 2019-01-31. Review status: criteria provided, single submitter. Criteria: Ambry Variant Classification Scheme 2023. Collection method: clinical testing. Allele origin: germline.
Comment: The c.5675delG pathogenic mutation, located in coding exon 10 of the BRCA2 gene, results from a deletion of one nucleotide at nucleotide position 5675, causing a translational frameshift with a predicted alternate stop codon (p.G1892Vfs*17). This alteration has been previously identified in Japanese breast/ovarian cohorts (Nakamura S et al. Breast Cancer. 2015 Sep;22:462-8; Momozawa Y et al. Nat. Commun. 2018 10;9:4083). Of note, this alteration is also designated 5903del1 in the published literature. In addition to the clinical data presented in the literature, this alteration is expected to result in loss of function by premature protein truncation or nonsense-mediated mRNA decay. As such, this alteration is interpreted as a disease-causing mutation.

Literature cited by the submitters: PubMed 20104584 (cited by Labcorp Genetics (formerly Invitae), Labcorp); PubMed 24249303 (cited by 3 submitters); PubMed 36243179 (cited by Labcorp Genetics (formerly Invitae), Labcorp); PubMed 22875640 (cited by Women's Health and Genetics/Laboratory Corporation of America, LabCorp); PubMed 29601120 (cited by Women's Health and Genetics/Laboratory Corporation of America, LabCorp); PubMed 30287823 (cited by Ambry Genetics).

NM_000059.4(BRCA2):c.5675del (p.Gly1892fs)

Gene: BRCA2 (BRCA2 DNA repair associated; plus strand). Cytogenetic location: 13q13.1.
Variant type: Deletion.
Coding change: c.5675del on transcript NM_000059.4 (MANE Select); coding-DNA position 5675, one base deleted (G; older notation c.5675delG).
Protein change: p.Gly1892fs; shifts the reading frame from glycine 1892.
Molecular consequence: frameshift variant.
Genome position (GRCh38, 1-based): chr13:32,340,030, G deleted; the last of 2 consecutive G bases (chr13:32,340,029-32,340,030); deleting either gives the same sequence. VCF-style (leftmost placement, unchanged base first): chr13-32340028-AG-A. GRCh37 (hg19) VCF-style: chr13-32914165-AG-A.
Other names: short protein forms G1892fs.
Identifiers: ClinVar variation 825889 (VCV000825889.10), dbSNP rs1593906164, ClinGen allele CA658761187.